The following is an entry in ClinVar:

NM_005476.7(GNE):c.1075A>T (p.Lys359Ter)

Gene: GNE (glucosamine (UDP-N-acetyl)-2-epimerase/N-acetylmannosamine kinase; minus strand). Cytogenetic location: 9p13.3.
Variant type: single nucleotide variant.
Coding change: c.1075A>T on transcript NM_005476.7 (MANE Select); coding-DNA position 1075, A replaced by T.
Protein change: p.Lys359Ter; replaces lysine 359 with a stop codon.
Molecular consequence: nonsense.
Genome position (GRCh38, 1-based): chr9:36,227,454, T>A on the plus strand (A>T on the coding strand, the complement: GNE is on the minus strand). VCF-style: chr9-36227454-T-A. GRCh37 (hg19) VCF-style: chr9-36227451-T-A.
Other names: c.898A>T, p.Lys300Ter (NM_001374798.1, NM_001190388.2); c.1168A>T, p.Lys390Ter (NM_001128227.3); c.1075A>T, p.Lys359Ter (NM_001190383.3); c.745A>T, p.Lys249Ter (NM_001190384.3); c.922A>T, p.Lys308Ter (NM_001374797.1); short protein forms K249*, K300*, K308*, K359*, K390*.
Identifiers: ClinVar variation 983569 (VCV000983569.3), dbSNP rs1828929851, ClinGen allele CA373429240.

ClinVar aggregate classification (germline): Likely pathogenic (1 of 4 stars; one submission).

Conditions:
GNE myopathy (NM). Also called: INCLUSION BODY MYOPATHY, HEREDITARY, AUTOSOMAL RECESSIVE; INCLUSION BODY MYOPATHY 2, AUTOSOMAL RECESSIVE; NONAKA DISTAL MYOPATHY; MYOPATHY, DISTAL, WITH OR WITHOUT RIMMED VACUOLES; IBM 2; Inclusion body myopathy autosomal recessive. Identifiers: Orphanet 602, MedGen C1853926, MONDO:0011603, OMIM 605820.

Submission:

Myriad Genetics, Inc.
Classification: Likely pathogenic for GNE myopathy. Last evaluated: 2019-12-26. Review status: criteria provided, single submitter. Criteria: Myriad Women's Health Autosomal Recessive and X-Linked Classification Criteria (2019). Collection method: clinical testing. Allele origin: unknown.
Comment: NM_001128227.2(GNE):c.1168A>T(K390*) is expected to be pathogenic in the context of GNE myopathy. This variant is predicted to lead to an abnormal or absent protein product due to the creation of a premature termination codon in GNE, a gene where loss-of-function variants are known to be pathogenic. Please note: this variant was assessed in the context of healthy population screening.